The following is an entry in ClinVar:

NM_198578.4(LRRK2):c.6107C>T (p.Pro2036Leu)

Gene: LRRK2 (leucine rich repeat kinase 2; plus strand). Cytogenetic location: 12q12.
Variant type: single nucleotide variant.
Coding change: c.6107C>T on transcript NM_198578.4 (MANE Select); coding-DNA position 6107, C replaced by T.
Protein change: p.Pro2036Leu; replaces proline 2036 with leucine.
Molecular consequence: missense variant.
Genome position (GRCh38, 1-based): chr12:40,340,452, C>T. VCF-style: chr12-40340452-C-T. GRCh37 (hg19) VCF-style: chr12-40734254-C-T.
Other names: short protein forms P2036L.
Identifiers: ClinVar variation 2489432 (VCV002489432.2), dbSNP rs1374106660, ClinGen allele CA384404208.

ClinVar aggregate classification (germline): Uncertain significance (1 of 4 stars; one submission).

Conditions:
Inborn genetic diseases. Identifiers: MedGen C0950123, MeSH D030342.

Allele frequency attached by ClinVar (database versions not stated): gnomAD exomes below 0.00001.
gnomAD v4.1: 1 of 1,613,710 alleles (0.000062%); highest among the groups gnomAD compares: Non-Finnish European, 0.000085%; no homozygotes.

Submission:

Ambry Genetics
Classification: Uncertain significance for Inborn genetic diseases. Last evaluated: 2023-02-09. Review status: criteria provided, single submitter. Criteria: Ambry Variant Classification Scheme 2023. Collection method: clinical testing. Allele origin: germline.
Comment: The p.P2036L variant (also known as c.6107C>T), located in coding exon 41 of the LRRK2 gene, results from a C to T substitution at nucleotide position 6107. The proline at codon 2036 is replaced by leucine, an amino acid with similar properties. This amino acid position is conserved. In addition, this alteration is predicted to be deleterious by in silico analysis. Since supporting evidence is limited at this time, the clinical significance of this alteration remains unclear.